The following is an entry in ClinVar:

NC_000020.10:g.(?_57484385)_(57485156_?)del

Gene: GNAS (GNAS complex locus; plus strand). Cytogenetic location: 20q13.32.
Variant type: Deletion.
Identifiers: ClinVar variation 1458317 (VCV001458317.6).

ClinVar aggregate classification (germline): Pathogenic (1 of 4 stars; one submission).

Submission:

Labcorp Genetics (formerly Invitae), Labcorp
Classification: Pathogenic. Last evaluated: 2020-12-26. Review status: criteria provided, single submitter. Criteria: Invitae Variant Classification Sherloc (09022015). Collection method: clinical testing. Allele origin: germline.
Comment: For these reasons, this variant has been classified as Pathogenic. This variant disrupts the C-terminus of the GNAS protein. Other variant(s) that disrupt this region (p.Asp332GlyfsX8) have been determined to be pathogenic (PMID: 25802881). This suggests that variants that disrupt this region of the protein are likely to be causative of disease. This variant has been observed in individual(s) with clinical features of GNAS-related conditions (Invitae). This variant is a gross deletion of the genomic region encompassing exon(s) 8-11 of the GNAS gene. While this deletion is not anticipated to lead to nonsense mediated decay, it is expected to disrupt the C-terminus of the protein.

Literature cited by the submitters: PubMed 25802881.